The following is an entry in ClinVar:

ClinVar aggregate classification (germline): Conflicting classifications of pathogenicity. Review status: criteria provided, conflicting classifications (1 of 4 stars). 3 submissions from 3 submitters: Uncertain significance (1); Likely benign (2). Last evaluated 2025-12-03.

Conditions:
Inborn genetic diseases. Identifiers: MedGen C0950123, MeSH D030342.

Allele frequency attached by ClinVar (database versions not stated): gnomAD 0.00046; TOPMed 0.00046; gnomAD exomes 0.00049 and 0.00059; ExAC 0.00063; ESP Exome Variant Server 0.00069.
gnomAD v4.1: 914 of 1,613,828 alleles (0.057%); highest among the groups gnomAD compares: Non-Finnish European, 0.073%; 1 homozygote.

Submissions (3):

Labcorp Genetics (formerly Invitae), Labcorp
Classification: Uncertain significance. Last evaluated: 2025-12-03. Review status: criteria provided, single submitter. Criteria: Invitae Variant Classification Sherloc (09022015). Collection method: clinical testing. Allele origin: germline.
Comment: This sequence change replaces isoleucine, which is neutral and non-polar, with valine, which is neutral and non-polar, at codon 149 of the CAST protein (p.Ile149Val). This variant is present in population databases (rs142144208, gnomAD 0.1%), and has an allele count higher than expected for a pathogenic variant. This variant has not been reported in the literature in individuals affected with CAST-related conditions. ClinVar contains an entry for this variant (Variation ID: 1492002). An algorithm developed to predict the effect of missense changes on protein structure and function outputs the following: PolyPhen-2: "Benign". The valine amino acid residue is found in multiple mammalian species, which suggests that this missense change does not adversely affect protein function. In summary, the available evidence is currently insufficient to determine the role of this variant in disease. Therefore, it has been classified as a Variant of Uncertain Significance.

Laboratory of Genetics, Children's Clinical University Hospital Latvia
Classification: Likely benign. Last evaluated: 2025-02-16. Review status: criteria provided, single submitter. Criteria: ACMG Guidelines, 2015. Collection method: clinical testing. Allele origin: germline. Affected: yes.

Ambry Genetics
Classification: Likely benign for Inborn genetic diseases. Last evaluated: 2021-08-10. Review status: criteria provided, single submitter. Criteria: Ambry Variant Classification Scheme 2023. Collection method: clinical testing. Allele origin: germline.

NM_001750.7(CAST):c.568A>G (p.Ile190Val)

Gene: CAST (calpastatin; plus strand). Cytogenetic location: 5q15.
Variant type: single nucleotide variant.
Coding change: c.568A>G on transcript NM_001750.7 (MANE Select); coding-DNA position 568, A replaced by G.
Protein change: p.Ile190Val; replaces isoleucine 190 with valine.
Molecular consequence: missense variant. On other transcripts: intron variant (1).
Genome position (GRCh38, 1-based): chr5:96,730,798, A>G. VCF-style: chr5-96730798-A-G. GRCh37 (hg19) VCF-style: chr5-96066502-A-G.
Other names: c.445A>G, p.Ile149Val (NM_001042440.5, NM_001330627.2); c.511A>G, p.Ile171Val (NM_001042441.3, NM_001330626.2); c.502A>G, p.Ile168Val (NM_001042442.3); c.319A>G, p.Ile107Val (NM_001042443.3, NM_001190442.2, NM_001330631.2); c.196A>G, p.Ile66Val (NM_001042444.3, NM_001042446.3, NM_001284212.4 and 1 more transcripts); c.253A>G, p.Ile85Val (NM_001042445.3, NM_001330632.2, NM_173060.5); c.400A>G, p.Ile134Val (NM_001330628.2); c.523A>G, p.Ile175Val (NM_001330629.2); and 4 more; short protein forms I107V, I190V, I85V, I134V, I149V, I168V, I175V, I66V.
Identifiers: ClinVar variation 1492002 (VCV001492002.8), dbSNP rs142144208, ClinGen allele CA3350883.